The following is an entry in ClinVar:

ClinVar aggregate classification (germline): Uncertain significance. Review status: criteria provided, multiple submitters, no conflicts (2 of 4 stars). 2 submissions from 2 submitters: Uncertain significance (2). Last evaluated 2025-12-16.

Allele frequency attached by ClinVar (database versions not stated): TOPMed below 0.00001; gnomAD exomes 0.00002.
gnomAD v4.1: 24 of 1,553,940 alleles (0.0015%); highest among the groups gnomAD compares: Non-Finnish European, 0.0021%; no homozygotes.

Submissions (2):

Labcorp Genetics (formerly Invitae), Labcorp
Classification: Uncertain significance. Last evaluated: 2025-12-16. Review status: criteria provided, single submitter. Criteria: Invitae Variant Classification Sherloc (09022015). Collection method: clinical testing. Allele origin: germline.
Comment: This sequence change replaces proline, which is neutral and non-polar, with serine, which is neutral and polar, at codon 37 of the COL9A2 protein (p.Pro37Ser). This variant is not present in population databases (gnomAD no frequency). This variant has not been reported in the literature in individuals affected with COL9A2-related conditions. ClinVar contains an entry for this variant (Variation ID: 1377508). Invitae Evidence Modeling of protein sequence and biophysical properties (such as structural, functional, and spatial information, amino acid conservation, physicochemical variation, residue mobility, and thermodynamic stability) indicates that this missense variant is not expected to disrupt COL9A2 protein function with a negative predictive value of 95%. In summary, the available evidence is currently insufficient to determine the role of this variant in disease. Therefore, it has been classified as a Variant of Uncertain Significance.

Blueprint Genetics
Classification: Uncertain significance. Last evaluated: 2023-01-24. Review status: criteria provided, single submitter. Criteria: ACMG Guidelines, 2015. Collection method: clinical testing. Allele origin: germline.

NM_001852.4(COL9A2):c.109C>T (p.Pro37Ser)

Genes: COL9A2 (collagen type IX alpha 2 chain; minus strand), LOC129930261 (ATAC-STARR-seq lymphoblastoid silent region 724; plus strand). Cytogenetic location: 1p34.2.
Variant type: single nucleotide variant.
Coding change: c.109C>T on transcript NM_001852.4 (MANE Select); coding-DNA position 109, C replaced by T.
Protein change: p.Pro37Ser; replaces proline 37 with serine.
Molecular consequence: missense variant.
Genome position (GRCh38, 1-based): chr1:40,315,631, G>A on the plus strand (C>T on the coding strand, the complement: COL9A2 is on the minus strand). VCF-style: chr1-40315631-G-A. GRCh37 (hg19) VCF-style: chr1-40781303-G-A.
Other names: short protein forms P37S.
Identifiers: ClinVar variation 1377508 (VCV001377508.7), dbSNP rs1644207459, ClinGen allele CA339859780.